The following is an entry in ClinVar:

ClinVar aggregate classification (germline): Uncertain significance (1 of 4 stars; one submission).

Submission:

Labcorp Genetics (formerly Invitae), Labcorp
Classification: Uncertain significance. Last evaluated: 2025-08-18. Review status: criteria provided, single submitter. Criteria: Invitae Variant Classification Sherloc (09022015). Collection method: clinical testing. Allele origin: germline.
Comment: This sequence change falls in intron 2 of the CNGB1 gene. It does not directly change the encoded amino acid sequence of the CNGB1 protein. It affects a nucleotide within the consensus splice site. This variant is not present in population databases (gnomAD no frequency). This variant has been observed in individual(s) with rod-cone dystrophy (PMID: 33847019). Variants that disrupt the consensus splice site are a relatively common cause of aberrant splicing (PMID: 17576681, 9536098). Algorithms developed to predict the effect of sequence changes on RNA splicing suggest that this variant may disrupt the consensus splice site. In summary, the available evidence is currently insufficient to determine the role of this variant in disease. Therefore, it has been classified as a Variant of Uncertain Significance.

Literature cited by the submitters: PubMed 33847019; PubMed 17576681; PubMed 9536098.

NM_001297.5(CNGB1):c.159+5G>A

Gene: CNGB1 (cyclic nucleotide gated channel subunit beta 1; minus strand). Cytogenetic location: 16q21.
Variant type: single nucleotide variant.
Coding change: c.159+5G>A on transcript NM_001297.5 (MANE Select); 5 bases into the intron after coding-DNA position 159, G replaced by A.
Molecular consequence: intron variant.
Genome position (GRCh38, 1-based): chr16:57,967,123, C>T on the plus strand (G>A on the coding strand, the complement: CNGB1 is on the minus strand). VCF-style: chr16-57967123-C-T. GRCh37 (hg19) VCF-style: chr16-58001027-C-T.
Other names: c.159+5G>A (NM_001286130.2, NM_001135639.2).
Identifiers: ClinVar variation 4782198 (VCV004782198.1).